The following is an entry in ClinVar:

ClinVar aggregate classification (germline): Conflicting classifications of pathogenicity. Review status: criteria provided, conflicting classifications (1 of 4 stars). 2 submissions from 2 submitters: Uncertain significance (1); Benign (1). Last evaluated 2026-01-07.

Conditions:
Congenital contractural arachnodactyly (CCA). Also called: BEALS SYNDROME; Beals-Hecht syndrome; Arthrogryposis, distal, type 9. Identifiers: Orphanet 115, MedGen C0220668, MONDO:0007363, OMIM 121050.
Familial thoracic aortic aneurysm and aortic dissection (TAAD). Also called: Thoracic aortic aneurysms and dissections. Identifiers: Orphanet 91387, MedGen C4707243, MONDO:0019625.

Allele frequency attached by ClinVar (database versions not stated): gnomAD 0.00003; TOPMed 0.00004.
gnomAD v4.1: 17 of 1,610,626 alleles (0.0011%); highest among the groups gnomAD compares: East Asian, 0.033%; no homozygotes.

Submissions (2):

Labcorp Genetics (formerly Invitae), Labcorp
Classification: Benign for Congenital contractural arachnodactyly. Last evaluated: 2026-01-07. Review status: criteria provided, single submitter. Criteria: Invitae Variant Classification Sherloc (09022015). Collection method: clinical testing. Allele origin: germline.

Ambry Genetics
Classification: Uncertain significance for Familial thoracic aortic aneurysm and aortic dissection. Last evaluated: 2025-11-17. Review status: criteria provided, single submitter. Criteria: Ambry Variant Classification Scheme 2023. Collection method: clinical testing. Allele origin: germline.
Comment: The p.V82M variant (also known as c.244G>A), located in coding exon 1 of the FBN2 gene, results from a G to A substitution at nucleotide position 244. The valine at codon 82 is replaced by methionine, an amino acid with highly similar properties. This amino acid position is not well conserved in available vertebrate species. In addition, this alteration is predicted to be tolerated by in silico analysis. Based on the available evidence, the clinical significance of this variant remains unclear.

NM_001999.4(FBN2):c.244G>A (p.Val82Met)

Gene: FBN2 (fibrillin 2; minus strand). Cytogenetic location: 5q23.3.
Variant type: single nucleotide variant.
Coding change: c.244G>A on transcript NM_001999.4 (MANE Select); coding-DNA position 244, G replaced by A.
Protein change: p.Val82Met; replaces valine 82 with methionine.
Molecular consequence: missense variant.
Genome position (GRCh38, 1-based): chr5:128,537,360, C>T on the plus strand (G>A on the coding strand, the complement: FBN2 is on the minus strand). VCF-style: chr5-128537360-C-T. GRCh37 (hg19) VCF-style: chr5-127873053-C-T.
Other names: short protein forms V82M.
Identifiers: ClinVar variation 264428 (VCV000264428.11), dbSNP rs550387143, ClinGen allele CA3396199.